The following is an entry in ClinVar:

ClinVar aggregate classification (germline): Uncertain significance (1 of 4 stars; one submission).

Conditions:
Developmental and epileptic encephalopathy, 25 (DEE25). Also called: Epileptic encephalopathy, early infantile, 25; Developmental and epileptic encephalopathy 25, with amelogenesis imperfecta; Epileptic encephalopathy, early infantile, 25, with amelogenesis imperfecta. Identifiers: Orphanet 442835, MedGen C4014621, MONDO:0014392, OMIM 615905.

Allele frequency attached by ClinVar (database versions not stated): gnomAD exomes below 0.00001; TOPMed 0.00002.
gnomAD v4.1: 1 of 1,606,716 alleles (0.000062%); highest among the groups gnomAD compares: Admixed American, 0.0017%; no homozygotes.

Submission:

Labcorp Genetics (formerly Invitae), Labcorp
Classification: Uncertain significance for Developmental and epileptic encephalopathy, 25. Last evaluated: 2022-08-06. Review status: criteria provided, single submitter. Criteria: Invitae Variant Classification Sherloc (09022015). Collection method: clinical testing. Allele origin: germline.
Comment: In summary, the available evidence is currently insufficient to determine the role of this variant in disease. Therefore, it has been classified as a Variant of Uncertain Significance. This sequence change falls in intron 8 of the SLC13A5 gene. It does not directly change the encoded amino acid sequence of the SLC13A5 protein. It affects a nucleotide within the consensus splice site. This variant is present in population databases (no rsID available, gnomAD 0.003%). This variant has not been reported in the literature in individuals affected with SLC13A5-related conditions. Variants that disrupt the consensus splice site are a relatively common cause of aberrant splicing (PMID: 17576681, 9536098). Algorithms developed to predict the effect of sequence changes on RNA splicing suggest that this variant is not likely to affect RNA splicing.

Literature cited by the submitters: PubMed 17576681; PubMed 9536098.

NM_177550.5(SLC13A5):c.1156+3A>G

Gene: SLC13A5 (solute carrier family 13 member 5; minus strand). Cytogenetic location: 17p13.1.
Variant type: single nucleotide variant.
Coding change: c.1156+3A>G on transcript NM_177550.5 (MANE Select); 3 bases into the intron after coding-DNA position 1156, A replaced by G.
Molecular consequence: intron variant.
Genome position (GRCh38, 1-based): chr17:6,694,094, T>C on the plus strand (A>G on the coding strand, the complement: SLC13A5 is on the minus strand). VCF-style: chr17-6694094-T-C. GRCh37 (hg19) VCF-style: chr17-6597413-T-C.
Other names: c.1027+3A>G (NM_001284510.2); c.1105+3A>G (NM_001284509.2); c.1156+3A>G (NM_001143838.3).
Identifiers: ClinVar variation 1895604 (VCV001895604.4), dbSNP rs890208913, ClinGen allele CA287386493.
Genomic context (GRCh38, chr17:6,694,094, plus strand): 5'-TAGTGACCCTTTGGTTCCAGGGCTCCAGTCCTGATGACTGGGCGATCAGAACAGGAGACT[T>C]ACCTTCCTCAGTCTGGCTGCGGAAGTTAAACTTGGGCTTCTGTGAAGGCACAATGAATAG-3'